The following is an entry in ClinVar:

ClinVar aggregate classification (germline): Pathogenic (1 of 4 stars; one submission).

Conditions:
Hypohidrotic X-linked ectodermal dysplasia (XHED). Also called: Christ-Siemans-Touraine syndrome; ECTODERMAL DYSPLASIA 1; ECTODERMAL DYSPLASIA, HYPOHIDROTIC, 1; CST SYNDROME; Ectodermal Dysplasia 1, Anhidrotic; Anhidrotic ectodermal dysplasia X-linked. Identifiers: Orphanet 181, Orphanet 238468, MedGen C0162359, MONDO:0010585, OMIM 305100.

Submission:

Juno Genomics, Hangzhou Juno Genomics, Inc
Classification: Pathogenic for Hypohidrotic X-linked ectodermal dysplasia. Review status: criteria provided, single submitter. Criteria: ACMG Guidelines, 2015. Collection method: clinical testing. Allele origin: germline. Affected: yes.
Comment: Null variant in a gene where loss of function (LOF) is a known mechanism of disease.;Absent from controls (or at extremely low frequency if recessive) in Genome Aggregation Database, Exome Sequencing Project, 1000 Genomes Project, or Exome Aggregation Consortium.;Assumed de novo, but without confirmation of paternity and maternity.

NM_001399.5(EDA):c.99_100dup (p.Ala34fs)

Gene: EDA (ectodysplasin A; plus strand). Cytogenetic location: Xq13.1.
Variant type: Duplication.
Coding change: c.99_100dup on transcript NM_001399.5 (MANE Select); coding-DNA positions 99 to 100, 2 bases duplicated (GG; older notation c.99_100dupGG).
Protein change: p.Ala34fs; shifts the reading frame from alanine 34.
Molecular consequence: frameshift variant.
Genome position (GRCh38, 1-based): chrX:69,616,407-69,616,408, GG duplicated; duplicating any 2 consecutive bases within chrX:69,616,406-69,616,408 gives the same sequence; the c. name uses the placement nearest the transcript's 3' end. VCF-style (leftmost placement, unchanged base first): chrX-69616405-C-CGG. GRCh37 (hg19) VCF-style: chrX-68836249-C-CGG.
Other names: c.99_100dup, p.Ala34fs (NM_001005609.2, NM_001005610.4, NM_001005612.3 and 1 more transcripts); short protein forms A34fs.
Identifiers: ClinVar variation 3381875 (VCV003381875.2).
Genomic context (GRCh38, chrX:69,616,405, plus strand): 5'-CCTGCAGCAGCGCCGCGGGAGCGAGGGAGCCAGGGCTGCGGGTGTGGCGGGGCCCCTGCC[C>CGG]GGGCGGGCGAAGGGAACAGCTGCCTGCTCTTCCTGGGTTTCTTTGGCCTCTCGCTGGCCC-3'